The following is an entry in ClinVar:

NM_007255.3(B4GALT7):c.914C>A (p.Ala305Asp)

Gene: B4GALT7 (beta-1,4-galactosyltransferase 7; plus strand). Cytogenetic location: 5q35.3.
Variant type: single nucleotide variant.
Coding change: c.914C>A on transcript NM_007255.3 (MANE Select); coding-DNA position 914, C replaced by A.
Protein change: p.Ala305Asp; replaces alanine 305 with aspartic acid.
Molecular consequence: missense variant.
Genome position (GRCh38, 1-based): chr5:177,609,625, C>A. VCF-style: chr5-177609625-C-A. GRCh37 (hg19) VCF-style: chr5-177036626-C-A.
Other names: short protein forms A305D.
Identifiers: ClinVar variation 1388736 (VCV001388736.3), dbSNP rs774322603, ClinGen allele CA3586742.

ClinVar aggregate classification (germline): Uncertain significance (1 of 4 stars; one submission).

Conditions:
Spondylodysplastic Ehlers-Danlos syndrome. Identifiers: Orphanet 536471, Orphanet 75496, MedGen C5680154, MONDO:0007526.

Allele frequency attached by ClinVar (database versions not stated): ExAC 0.00002; gnomAD exomes 0.00001; TOPMed below 0.00001.
gnomAD v4.1: 5 of 1,614,026 alleles (0.00031%); highest among the groups gnomAD compares: South Asian, 0.0011%; no homozygotes.

Submission:

Labcorp Genetics (formerly Invitae), Labcorp
Classification: Uncertain significance for Spondylodysplastic Ehlers-Danlos syndrome. Last evaluated: 2021-11-17. Review status: criteria provided, single submitter. Criteria: Invitae Variant Classification Sherloc (09022015). Collection method: clinical testing. Allele origin: germline.
Comment: This sequence change replaces alanine, which is neutral and non-polar, with aspartic acid, which is acidic and polar, at codon 305 of the B4GALT7 protein (p.Ala305Asp). This variant is present in population databases (rs774322603, gnomAD 0.006%). This variant has not been reported in the literature in individuals affected with B4GALT7-related conditions. Algorithms developed to predict the effect of missense changes on protein structure and function are either unavailable or do not agree on the potential impact of this missense change (SIFT: "Tolerated"; PolyPhen-2: "Probably Damaging"; Align-GVGD: "Class C0"). In summary, the available evidence is currently insufficient to determine the role of this variant in disease. Therefore, it has been classified as a Variant of Uncertain Significance.